The following is an entry in ClinVar:

NM_001430.5(EPAS1):c.*842A>C

Gene: EPAS1 (endothelial PAS domain protein 1; plus strand). Cytogenetic location: 2p21.
Variant type: single nucleotide variant.
Coding change: c.*842A>C on transcript NM_001430.5 (MANE Select); 842 bases downstream of the stop codon, A replaced by C.
Molecular consequence: 3 prime UTR variant.
Genome position (GRCh38, 1-based): chr2:46,385,502, A>C. VCF-style: chr2-46385502-A-C. GRCh37 (hg19) VCF-style: chr2-46612641-A-C.
Identifiers: ClinVar variation 894839 (VCV000894839.4), dbSNP rs143059873, ClinGen allele CA46572075.

ClinVar aggregate classification (germline): Benign (1 of 4 stars; one submission).

Conditions:
Erythrocytosis, familial, 4 (ECYT4). Identifiers: Orphanet 247511, MedGen C2673187, MONDO:0012729, OMIM 611783.

Allele frequency attached by ClinVar (database versions not stated): TOPMed 0.00076; gnomAD 0.00214 and 0.00221; 1000 Genomes Project 0.00080; 1000 Genomes Project 30x 0.00094.

Submission:

Illumina Laboratory Services, Illumina
Classification: Benign for Erythrocytosis, familial, 4. Last evaluated: 2018-01-13. Review status: criteria provided, single submitter. Criteria: ICSL Variant Classification Criteria 13 December 2019. Collection method: clinical testing. Allele origin: germline.
Comment: This variant was observed in the ICSL laboratory as part of a predisposition screen in an ostensibly healthy population. It had not been previously curated by ICSL or reported in the Human Gene Mutation Database (HGMD: prior to June 1st, 2018), and was therefore a candidate for classification through an automated scoring system. Utilizing variant allele frequency, disease prevalence and penetrance estimates, and inheritance mode, an automated score was calculated to assess if this variant is too frequent to cause the disease. Based on the score and internal cut-off values, a variant classified as benign is not then subjected to further curation. The score for this variant resulted in a classification of benign for this disease.